The following is an entry in ClinVar:

NM_201384.3(PLEC):c.11150C>T (p.Ala3717Val)

Gene: PLEC (plectin; minus strand). Cytogenetic location: 8q24.3.
Variant type: single nucleotide variant.
Coding change: c.11150C>T on transcript NM_201384.3 (MANE Select); coding-DNA position 11150, C replaced by T.
Protein change: p.Ala3717Val; replaces alanine 3717 with valine.
Molecular consequence: missense variant.
Genome position (GRCh38, 1-based): chr8:143,918,671, G>A on the plus strand (C>T on the coding strand, the complement: PLEC is on the minus strand). VCF-style: chr8-143918671-G-A. GRCh37 (hg19) VCF-style: chr8-144992839-G-A.
Other names: c.11231C>T (NM_000445.3); c.11231C>T, p.Ala3744Val (NM_000445.5); c.11108C>T, p.Ala3703Val (NM_201378.4); c.11084C>T, p.Ala3695Val (NM_201379.3); c.11561C>T, p.Ala3854Val (NM_201380.4); c.11054C>T, p.Ala3685Val (NM_201381.3); c.11150C>T, p.Ala3717Val (NM_201382.4); c.11162C>T, p.Ala3721Val (NM_201383.3); short protein forms A3685V, A3703V, A3721V, A3744V, A3717V, A3695V, A3854V.
Identifiers: ClinVar variation 651611 (VCV000651611.11), dbSNP rs375586872, ClinGen allele CA187608353.

ClinVar aggregate classification (germline): Uncertain significance. Review status: criteria provided, multiple submitters, no conflicts (2 of 4 stars). 2 submissions from 2 submitters: Uncertain significance (2). Last evaluated 2022-09-01.

Conditions:
Epidermolysis bullosa simplex, Ogna type (EBS5A). Also called: Pidermolysis bullosa simplex 5A, Ogna type; EPIDERMOLYSIS BULLOSA SIMPLEX 5A, OGNA TYPE. Identifiers: Orphanet 79401, MedGen C0432317, MONDO:0007555, OMIM 131950.
Epidermolysis bullosa simplex 5C, with pyloric atresia (EBS5C). Also called: Epidermolysis bullosa simplex with pyloric atresia; PLEC-Related Epidermolysis Bullosa with Pyloric Atresia; PLEC1-Related Epidermolysis Bullosa with Pyloric Atresia. Identifiers: Orphanet 158684, MedGen C2677349, MONDO:0012807, OMIM 612138.
Epidermolysis bullosa simplex with nail dystrophy (EBS5D). Identifiers: MedGen C4225309, MONDO:0014661, OMIM 616487.
Epidermolysis bullosa simplex 5B, with muscular dystrophy (EBS5B). Also called: EPIDERMOLYSIS BULLOSA SIMPLEX AND LIMB-GIRDLE MUSCULAR DYSTROPHY; Epidermolysis bullosa simplex with muscular dystrophy. Identifiers: Orphanet 257, MedGen C2931072, MONDO:0009181, OMIM 226670.
Autosomal recessive limb-girdle muscular dystrophy type 2Q (LGMDR17). Also called: MUSCULAR DYSTROPHY, LIMB-GIRDLE, AUTOSOMAL RECESSIVE 17. Identifiers: Orphanet 254361, MedGen C3150989, MONDO:0013390, OMIM 613723.

Allele frequency attached by ClinVar (database versions not stated): gnomAD exomes below 0.00001; TOPMed below 0.00001; ESP Exome Variant Server 0.00008.
gnomAD v4.1: 2 of 1,612,870 alleles (0.00012%); highest among the groups gnomAD compares: Non-Finnish European, 0.00017%; no homozygotes.

Submissions (2):

Labcorp Genetics (formerly Invitae), Labcorp
Classification: Uncertain significance for Autosomal recessive limb-girdle muscular dystrophy type 2Q; Epidermolysis bullosa simplex, Ogna type; Epidermolysis bullosa simplex with nail dystrophy; Epidermolysis bullosa simplex 5C, with pyloric atresia; Epidermolysis bullosa simplex 5B, with muscular dystrophy. Last evaluated: 2022-09-01. Review status: criteria provided, single submitter. Criteria: Invitae Variant Classification Sherloc (09022015). Collection method: clinical testing. Allele origin: germline.
Comment: This variant has not been reported in the literature in individuals affected with PLEC-related conditions. This sequence change replaces alanine, which is neutral and non-polar, with valine, which is neutral and non-polar, at codon 3744 of the PLEC protein (p.Ala3744Val). This variant is not present in population databases (gnomAD no frequency). ClinVar contains an entry for this variant (Variation ID: 651611). Algorithms developed to predict the effect of missense changes on protein structure and function are either unavailable or do not agree on the potential impact of this missense change (SIFT: "Tolerated"; PolyPhen-2: "Possibly Damaging"; Align-GVGD: "Class C25"). In summary, the available evidence is currently insufficient to determine the role of this variant in disease. Therefore, it has been classified as a Variant of Uncertain Significance.

Revvity Omics, Revvity
Classification: Uncertain significance. Last evaluated: 2019-07-09. Review status: criteria provided, single submitter. Criteria: ACMG Guidelines, 2015. Collection method: clinical testing. Allele origin: germline.